The following is an entry in ClinVar:

NM_006258.4(PRKG1):c.568T>C (p.Cys190Arg)

Gene: PRKG1 (protein kinase cGMP-dependent 1; plus strand). Cytogenetic location: 10q21.1.
Variant type: single nucleotide variant.
Coding change: c.568T>C on transcript NM_006258.4 (MANE Select); coding-DNA position 568, T replaced by C.
Protein change: p.Cys190Arg; replaces cysteine 190 with arginine.
Molecular consequence: missense variant.
Genome position (GRCh38, 1-based): chr10:51,467,812, T>C. VCF-style: chr10-51467812-T-C. GRCh37 (hg19) VCF-style: chr10-53227572-T-C.
Other names: c.568T>C, p.Cys190Arg (LRG_1135t1); c.523T>C, p.Cys175Arg (LRG_1135t2, NM_001098512.3); short protein forms C175R, C190R.
Identifiers: ClinVar variation 452918 (VCV000452918.4), dbSNP rs1554812441, ClinGen allele CA376529238.

ClinVar aggregate classification (germline): Uncertain significance. Review status: criteria provided, multiple submitters, no conflicts (2 of 4 stars). 2 submissions from 2 submitters: Uncertain significance (2). Last evaluated 2024-10-03.

Conditions:
Aortic aneurysm, familial thoracic 8 (AAT8). Identifiers: MedGen C3809513, MONDO:0014187, OMIM 615436.

Submissions (2):

Labcorp Genetics (formerly Invitae), Labcorp
Classification: Uncertain significance for Aortic aneurysm, familial thoracic 8. Last evaluated: 2024-10-03. Review status: criteria provided, single submitter. Criteria: Invitae Variant Classification Sherloc (09022015). Collection method: clinical testing. Allele origin: germline.
Comment: This sequence change replaces cysteine, which is neutral and slightly polar, with arginine, which is basic and polar, at codon 190 of the PRKG1 protein (p.Cys190Arg). This variant is not present in population databases (gnomAD no frequency). This variant has not been reported in the literature in individuals affected with PRKG1-related conditions. ClinVar contains an entry for this variant (Variation ID: 452918). An algorithm developed to predict the effect of missense changes on protein structure and function (PolyPhen-2) suggests that this variant is likely to be disruptive. In summary, the available evidence is currently insufficient to determine the role of this variant in disease. Therefore, it has been classified as a Variant of Uncertain Significance.

GeneDx
Classification: Uncertain significance. Last evaluated: 2017-10-18. Review status: criteria provided, single submitter. Criteria: GeneDx Variant Classification (06012015). Collection method: clinical testing. Allele origin: germline. Affected: yes.
Comment: A variant of uncertain significance has been identified in the PRKG1 gene. The C190R variant has not been published as pathogenic or been reported as benign to our knowledge. This variant is also not observed in large population cohorts (Lek et al., 2016). The C190R variant is a non-conservative amino acid substitution, which is likely to impact secondary protein structure as these residues differ in polarity, charge, size and/or other properties. Additionally, this substitution occurs at a position that is conserved across species and in silico analysis predicts this variant is probably damaging to the protein structure/function. Of note, this substitution is located within the cGMP Binding Domain near the recurrent gain-of-function R177Q variant (described as R192Q in the NM_006258.3 transcript) that has been reported in association with ascending and descending aortic aneurysm/dissection (Guo et al., 2013; Gago-Diaz et al., 2016). However, this variant has not been observed in a significant number of affected individuals, and it lacks both segregation and functional studies which would further clarify its pathogenicity.